The following is an entry in ClinVar:

ClinVar aggregate classification (germline): Uncertain significance (1 of 4 stars; one submission).

Submission:

Labcorp Genetics (formerly Invitae), Labcorp
Classification: Uncertain significance. Last evaluated: 2022-05-19. Review status: criteria provided, single submitter. Criteria: Invitae Variant Classification Sherloc (09022015). Collection method: clinical testing. Allele origin: germline.
Comment: This sequence change replaces alanine, which is neutral and non-polar, with threonine, which is neutral and polar, at codon 774 of the HMCN1 protein (p.Ala774Thr). This variant is not present in population databases (gnomAD no frequency). This variant has not been reported in the literature in individuals affected with HMCN1-related conditions. Algorithms developed to predict the effect of missense changes on protein structure and function are either unavailable or do not agree on the potential impact of this missense change (SIFT: "Deleterious"; PolyPhen-2: "Probably Damaging"; Align-GVGD: "Class C0"). In summary, the available evidence is currently insufficient to determine the role of this variant in disease. Therefore, it has been classified as a Variant of Uncertain Significance.

NM_031935.3(HMCN1):c.2320G>A (p.Ala774Thr)

Gene: HMCN1 (hemicentin 1; plus strand). Cytogenetic location: 1q31.1.
Variant type: single nucleotide variant.
Coding change: c.2320G>A on transcript NM_031935.3 (MANE Select); coding-DNA position 2320, G replaced by A.
Protein change: p.Ala774Thr; replaces alanine 774 with threonine.
Molecular consequence: missense variant.
Genome position (GRCh38, 1-based): chr1:185,970,442, G>A. VCF-style: chr1-185970442-G-A. GRCh37 (hg19) VCF-style: chr1-185939574-G-A.
Other names: short protein forms A774T.
Identifiers: ClinVar variation 1958600 (VCV001958600.5), dbSNP rs2527302875, ClinGen allele CA343879328.